The following is an entry in ClinVar:

ClinVar aggregate classification (germline): Uncertain significance (1 of 4 stars; one submission).

Submission:

Labcorp Genetics (formerly Invitae), Labcorp
Classification: Uncertain significance. Last evaluated: 2023-07-17. Review status: criteria provided, single submitter. Criteria: Invitae Variant Classification Sherloc (09022015). Collection method: clinical testing. Allele origin: germline.
Comment: In summary, the available evidence is currently insufficient to determine the role of this variant in disease. Therefore, it has been classified as a Variant of Uncertain Significance. This variant disrupts the p.Pro1511 amino acid residue in ABCA4. Other variant(s) that disrupt this residue have been determined to be pathogenic (PMID: 22427542, 26780318, 29925512). This suggests that this residue is clinically significant, and that variants that disrupt this residue are likely to be disease-causing. Advanced modeling of protein sequence and biophysical properties (such as structural, functional, and spatial information, amino acid conservation, physicochemical variation, residue mobility, and thermodynamic stability) performed at Invitae indicates that this missense variant is expected to disrupt ABCA4 protein function. ClinVar contains an entry for this variant (Variation ID: 1963726). This variant has not been reported in the literature in individuals affected with ABCA4-related conditions. The frequency data for this variant in the population databases is considered unreliable, as metrics indicate poor data quality at this position in the gnomAD database. This sequence change replaces proline, which is neutral and non-polar, with serine, which is neutral and polar, at codon 1511 of the ABCA4 protein (p.Pro1511Ser).

Literature cited by the submitters: PubMed 22427542; PubMed 26780318; PubMed 29925512.

NM_000350.3(ABCA4):c.4531C>T (p.Pro1511Ser)

Gene: ABCA4 (ATP binding cassette subfamily A member 4; minus strand). Cytogenetic location: 1p22.1.
Variant type: single nucleotide variant.
Coding change: c.4531C>T on transcript NM_000350.3 (MANE Select); coding-DNA position 4531, C replaced by T.
Protein change: p.Pro1511Ser; replaces proline 1511 with serine.
Molecular consequence: missense variant.
Genome position (GRCh38, 1-based): chr1:94,029,453, G>A on the plus strand (C>T on the coding strand, the complement: ABCA4 is on the minus strand). VCF-style: chr1-94029453-G-A. GRCh37 (hg19) VCF-style: chr1-94495009-G-A.
Other names: c.4309C>T, p.Pro1437Ser (NM_001425324.1); short protein forms P1511S, P1437S.
Identifiers: ClinVar variation 1963726 (VCV001963726.5), dbSNP rs1316934987, ClinGen allele CA341284774.